The following is an entry in ClinVar:

ClinVar aggregate classification (germline): Conflicting classifications of pathogenicity. Review status: criteria provided, conflicting classifications (1 of 4 stars). 5 submissions from 5 submitters: Uncertain significance (4); Likely benign (1). Last evaluated 2026-04-27.

Conditions:
APOB-related disorder. Also called: APOB-related condition; APOB-related disorders.
Cardiovascular phenotype. Identifiers: MedGen CN230736.
Familial hypobetalipoproteinemia 1. Also called: APOB-Related Familial Hypobetalipoproteinemia; Hypobetalipoproteinemia, normotriglyceridemic; Acanthocytosis with hypobetalipoproteinemia. Identifiers: MedGen C4551990, MONDO:0014252, OMIM 615558.
Hypercholesterolemia, autosomal dominant, type B (FHCL2). Also called: APOB-Related Familial Hypercholesterolemia, Autosomal Dominant; APOLIPOPROTEIN B-100, FAMILIAL DEFECTIVE; APOLIPOPROTEIN B-100, FAMILIAL LIGAND-DEFECTIVE; Familial Hypercholesterolemia Type B; HYPERCHOLESTEROLEMIA, FAMILIAL, DUE TO LIGAND-DEFECTIVE APOLIPOPROTEIN B; Familial hypercholesterolemia 2. Identifiers: MedGen C1704417, MONDO:0007751, OMIM 144010.

Allele frequency attached by ClinVar (database versions not stated): gnomAD exomes 0.00004 and 0.00006; ExAC 0.00007; gnomAD 0.00007; ESP Exome Variant Server 0.00008; TOPMed 0.00010.
gnomAD v4.1: 81 of 1,613,994 alleles (0.005%); highest among the groups gnomAD compares: African/African-American, 0.012%; no homozygotes.

Submissions (5):

PreventionGenetics, part of Exact Sciences
Classification: Uncertain significance for APOB-related condition. Last evaluated: 2026-04-27. Review status: criteria provided, single submitter. Criteria: ACMG Guidelines, 2015. Collection method: clinical testing. Allele origin: germline.
Comment: The APOB c.2938G>A variant is predicted to result in the amino acid substitution p.Ala980Thr. This variant has been reported in an individual with familial hypercholesterolemia (Futema et al. 2012. PubMed ID: 23054246. Table S1). This variant is reported in 0.012% of alleles in individuals of African descent in gnomAD. At this time, the clinical significance of this variant is uncertain due to the absence of conclusive functional and genetic evidence.

Labcorp Genetics (formerly Invitae), Labcorp
Classification: Likely benign for Familial hypobetalipoproteinemia 1; Hypercholesterolemia, autosomal dominant, type B. Last evaluated: 2025-10-31. Review status: criteria provided, single submitter. Criteria: Invitae Variant Classification Sherloc (09022015). Collection method: clinical testing. Allele origin: germline.

Ambry Genetics
Classification: Uncertain significance for Cardiovascular phenotype. Last evaluated: 2025-04-10. Review status: criteria provided, single submitter. Criteria: Ambry Variant Classification Scheme 2023. Collection method: clinical testing. Allele origin: germline.

GeneDx
Classification: Uncertain significance. Last evaluated: 2023-02-07. Review status: criteria provided, single submitter. Criteria: GeneDx Variant Classification Process June 2021. Collection method: clinical testing. Allele origin: germline. Affected: yes.
Comment: In silico analysis supports that this missense variant does not alter protein structure/function; This variant is associated with the following publications: (PMID: 23054246)

New York Genome Center
Classification: Uncertain significance for Hypercholesterolemia, autosomal dominant, type B; Familial hypobetalipoproteinemia 1. Last evaluated: 2021-09-17. Review status: criteria provided, single submitter. Criteria: NYGC Assertion Criteria 2020. Collection method: clinical testing. Allele origin: germline. Observed: 1 heterozygote.
Comment: The c.2938G>A (p.Ala980Thr) variant identified in the APOB gene substitutes a moderately conserved Alanine for Threonine at amino acid 980/4564 (exon 19/29). This variant is found with low frequency in gnomAD(v3.1.1) (10 heterozygotes, 0 homozygotes; allele frequency: 6.57e-5) suggesting it is not a common benign variant in the populations represented in that database. In silico algorithms predict this variant to be Tolerated (SIFT; score:0.492) and Benign (REVEL; score:0.054) to the function of the canonical transcript. This variant is reported as a Variant of Uncertain Significance in ClinVar (VarID:477805), and has been identified in a single individual in the literature with Familial Hypercholesterolemia [PMID:23054246]. The p.Ala980 residue is not within a mapped domain of APOB (UniProtKB:P04114). Given the lack of compelling evidence for its pathogenicity, the c.2938G>A (p.Ala980Thr) variant identified in the APOB gene is reported as a Variant of Uncertain Significance.

NM_000384.3(APOB):c.2938G>A (p.Ala980Thr)

Gene: APOB (apolipoprotein B; minus strand). Cytogenetic location: 2p24.1.
Variant type: single nucleotide variant.
Coding change: c.2938G>A on transcript NM_000384.3 (MANE Select); coding-DNA position 2938, G replaced by A.
Protein change: p.Ala980Thr; replaces alanine 980 with threonine.
Molecular consequence: missense variant.
Genome position (GRCh38, 1-based): chr2:21,019,784, C>T on the plus strand (G>A on the coding strand, the complement: APOB is on the minus strand). VCF-style: chr2-21019784-C-T. GRCh37 (hg19) VCF-style: chr2-21242656-C-T.
Other names: short protein forms A980T.
Identifiers: ClinVar variation 477805 (VCV000477805.25), dbSNP rs369310292, ClinGen allele CA057554.